The following is an entry in ClinVar:

ClinVar aggregate classification (germline): Likely pathogenic (1 of 4 stars; one submission).

Conditions:
Hereditary factor VIII deficiency disease (HEMA). Also called: HEMOPHILIA, CLASSIC; AUTOSOMAL HEMOPHILIA A; Hemophilia A, congenital; HEM A; Factor 8 deficiency, congenital; Hemophilia A. Identifiers: Orphanet 98878, MedGen C0019069, MONDO:0010602, OMIM 306700.

Submission:

Clinical Genetics Laboratory, Skane University Hospital Lund
Classification: Likely pathogenic for Hereditary factor VIII deficiency disease. Last evaluated: 2026-04-01. Review status: criteria provided, single submitter. Criteria: ACMG Guidelines, 2015. Collection method: clinical testing. Allele origin: germline. Inheritance: X-linked inheritance. Affected: yes.
Comment: F8 (NM_000132.4) c.2090T>C, p.(Val697Ala) represents a nucleotide substitution in exon 13 of 26, resulting in the amino acid change indicated above, which is predicted to be deleterious to protein function. F8 c.2090T>C has not been observed in hemizygous males in the general population (gnomAD v4.1.0) and has not been previously reported in ClinVar; however, it has been reported in 5 probands with mild hemophilia A in the EAHAD database. The variant has been classified as likely pathogenic using gene-specific criteria (ClinGen Coagulation Factor Deficiency Expert Panel Specifications to the ACMG/AMP Variant Interpretation Guidelines for F8, Version 2.0.0): PS4_Strong, PM2_Supporting, PP3.

NM_000132.4(F8):c.2090T>C (p.Val697Ala)

Gene: F8 (coagulation factor VIII; minus strand). Cytogenetic location: Xq28.
Variant type: single nucleotide variant.
Coding change: c.2090T>C on transcript NM_000132.4 (MANE Select); coding-DNA position 2090, T replaced by C.
Protein change: p.Val697Ala; replaces valine 697 with alanine.
Molecular consequence: missense variant.
Genome position (GRCh38, 1-based): chrX:154,947,721, A>G on the plus strand (T>C on the coding strand, the complement: F8 is on the minus strand). VCF-style: chrX-154947721-A-G. GRCh37 (hg19) VCF-style: chrX-154175996-A-G.
Other names: short protein forms V697A.
Identifiers: ClinVar variation 4820650 (VCV004820650.1).